The following is an entry in ClinVar:

ClinVar aggregate classification (germline): Uncertain significance (1 of 4 stars; one submission).

Submission:

Dasa
Classification: Uncertain significance. Last evaluated: 2026-03-30. Review status: criteria provided, single submitter. Criteria: DASA Assertion Criteria. Collection method: clinical testing. Allele origin: germline.
Comment: NM_000098.3(CPT2):c.502_508delinsT (p.Ala168_Leu170delinsPhe) is an in-frame insertion/deletion-insertion predicted to alter the protein sequence without shifting the reading frame. This variant is rare in population databases. The currently available literature and clinical evidence are not sufficient to establish a definitive association between this variant and the reported condition. Therefore, this variant is classified as a variant of uncertain significance.

NM_000098.3(CPT2):c.502_508delinsT (p.Ala168_Leu170delinsPhe)

Gene: CPT2 (carnitine palmitoyltransferase 2; plus strand). Cytogenetic location: 1p32.3.
Variant type: Indel.
Coding change: c.502_508delinsT on transcript NM_000098.3 (MANE Select); coding-DNA positions 502 to 508, GCTGGCC replaced by T.
Protein change: p.Ala168_Leu170delinsPhe.
Molecular consequence: inframe indel.
Genome position (GRCh38, 1-based): chr1:53,210,176-53,210,182, GCTGGCC replaced by T. VCF-style: chr1-53210176-GCTGGCC-T. GRCh37 (hg19) VCF-style: chr1-53675848-GCTGGCC-T.
Other names: c.502_508delinsT, p.Ala168_Leu170delinsPhe (NM_001330589.2).
Identifiers: ClinVar variation 4852727 (VCV004852727.2).